The following is an entry in ClinVar:

NM_182925.5(FLT4):c.2922_2941del (p.Gly975fs)

Gene: FLT4 (fms related receptor tyrosine kinase 4; minus strand). Cytogenetic location: 5q35.3.
Variant type: Deletion.
Coding change: c.2922_2941del on transcript NM_182925.5 (MANE Select); coding-DNA positions 2922 to 2941, 20 bases deleted (GGGGAGCAGCGACAGGGTCC).
Protein change: p.Gly975fs; shifts the reading frame from glycine 975.
Molecular consequence: frameshift variant.
Genome position (GRCh38, 1-based): chr5:180,618,830-180,618,849, GGACCCTGTCGCTGCTCCCC deleted on the plus strand (GGGGAGCAGCGACAGGGTCC on the coding strand, the reverse complement: FLT4 is on the minus strand); deleting any 20 consecutive bases within chr5:180,618,830-180,618,851 gives the same sequence; the c. name uses the placement nearest the transcript's 3' end. VCF-style (leftmost placement, unchanged base first): chr5-180618829-AGGACCCTGTCGCTGCTCCCC-A. GRCh37 (hg19) VCF-style: chr5-180045829-AGGACCCTGTCGCTGCTCCCC-A.
Other names: c.2922_2941del, p.Gly975fs (NM_001354989.2, NM_002020.5); short protein forms G975fs.
Identifiers: ClinVar variation 3062295 (VCV003062295.1), dbSNP rs2480880177, ClinGen allele CA2740094197.

ClinVar aggregate classification (germline): Likely pathogenic (1 of 4 stars; one submission).

Conditions:
Congenital heart defects, multiple types, 7. Identifiers: MedGen C5394062, MONDO:0032913, OMIM 618780.

Submission:

Molecular Genetics Department, Kulakov National Medical Research Center for Obstetrics, Gynecology and Perinatology
Classification: Likely pathogenic for Congenital heart defects, multiple types, 7. Review status: criteria provided, single submitter. Criteria: ACMG Guidelines, 2015. Collection method: clinical testing. Allele origin: germline. Affected: yes.
Comment: A previously undescribed nucleotide variant creates a frameshift p.Gly975LeufsTer21 in the FLT4 gene. Loss-of-function variants are reported in patients with Congenital heart defects, multiple types, 7, 618780. The variant is not present in population database (gnomAD no frequency). In summary, the currently available evidence indicates that the variant is pathogenic, but additional data are needed to prove that conclusively. Therefore, this variant has been classified as likely pathogenic.